The following is an entry in ClinVar:

NM_000368.5(TSC1):c.662A>G (p.Lys221Arg)

Gene: TSC1 (TSC complex subunit 1; minus strand). Cytogenetic location: 9q34.13.
Variant type: single nucleotide variant.
Coding change: c.662A>G on transcript NM_000368.5 (MANE Select); coding-DNA position 662, A replaced by G.
Protein change: p.Lys221Arg; replaces lysine 221 with arginine.
Molecular consequence: missense variant. On other transcripts: 5 prime UTR variant (5), non-coding transcript variant (5).
Genome position (GRCh38, 1-based): chr9:132,921,820, T>C on the plus strand (A>G on the coding strand, the complement: TSC1 is on the minus strand). VCF-style: chr9-132921820-T-C. GRCh37 (hg19) VCF-style: chr9-135797207-T-C.
Other names: c.299A>G, p.Lys100Arg (NM_001362177.2, NM_001406614.1, NM_001406615.1 and 10 more transcripts); c.662A>G, p.Lys221Arg (NM_001406592.1, NM_001406593.1, NM_001406598.1 and 16 more transcripts); c.509A>G, p.Lys170Arg (NM_001162427.2, NM_001406610.1, NM_001406611.1 and 2 more transcripts); c.-216A>G (NM_001406626.1, NM_001406627.1, NM_001406628.1); c.-358A>G (NM_001406629.1); c.-432A>G (NM_001406630.1); short protein forms K100R, K170R, K221R.
Identifiers: ClinVar variation 3462474 (VCV003462474.1).

ClinVar aggregate classification (germline): Uncertain significance (1 of 4 stars; one submission).

Conditions:
Hereditary cancer-predisposing syndrome. Also called: Tumor predisposition; Neoplastic Syndromes, Hereditary; Hereditary neoplastic syndrome; Hereditary Cancer Syndrome. Identifiers: Orphanet 140162, MedGen C0027672, MeSH D009386, MONDO:0015356.

gnomAD v4.1: 1 of 1,614,188 alleles (0.000062%); highest among the groups gnomAD compares: Non-Finnish European, 0.000085%; no homozygotes.

Submission:

Ambry Genetics
Classification: Uncertain significance for Hereditary cancer-predisposing syndrome. Last evaluated: 2024-09-20. Review status: criteria provided, single submitter. Criteria: Ambry Variant Classification Scheme 2023. Collection method: clinical testing. Allele origin: germline.
Comment: The p.K221R variant (also known as c.662A>G), located in coding exon 5 of the TSC1 gene, results from an A to G substitution at nucleotide position 662. The lysine at codon 221 is replaced by arginine, an amino acid with highly similar properties. This amino acid position is conserved. In addition, the in silico prediction for this alteration is inconclusive. Based on the available evidence, the clinical significance of this variant remains unclear.